The following is an entry in ClinVar:

ClinVar aggregate classification (germline): Uncertain significance (1 of 4 stars; one submission).

Conditions:
Hereditary cancer-predisposing syndrome. Also called: Hereditary Cancer Syndrome; Neoplastic Syndromes, Hereditary; Tumor predisposition; Hereditary neoplastic syndrome. Identifiers: Orphanet 140162, MedGen C0027672, MeSH D009386, MONDO:0015356.

Submission:

Ambry Genetics
Classification: Uncertain significance for Hereditary cancer-predisposing syndrome. Last evaluated: 2025-11-06. Review status: criteria provided, single submitter. Criteria: Ambry Variant Classification Scheme 2023. Collection method: clinical testing. Allele origin: germline.
Comment: The p.L2312F variant (also known as c.6934C>T), located in coding exon 46 of the ATM gene, results from a C to T substitution at nucleotide position 6934. The leucine at codon 2312 is replaced by phenylalanine, an amino acid with highly similar properties. This amino acid position is highly conserved in available vertebrate species. In addition, this alteration is predicted to be deleterious by in silico analysis. Based on the available evidence, the clinical significance of this variant remains unclear.

NM_000051.4(ATM):c.6934C>T (p.Leu2312Phe)

Genes: ATM (ATM serine/threonine kinase; plus strand), C11orf65 (chromosome 11 open reading frame 65; minus strand). Cytogenetic location: 11q22.3.
Variant type: single nucleotide variant.
Coding change: c.6934C>T on transcript NM_000051.4 (MANE Select); coding-DNA position 6934, C replaced by T.
Protein change: p.Leu2312Phe; replaces leucine 2312 with phenylalanine.
Molecular consequence: missense variant. On other transcripts: intron variant (2).
Genome position (GRCh38, 1-based): chr11:108,326,184, C>T. VCF-style: chr11-108326184-C-T. GRCh37 (hg19) VCF-style: chr11-108196911-C-T.
Other names: c.6934C>T, p.Leu2312Phe (NM_001351834.2); c.641-17113G>A (NM_001330368.2); c.*38+9036G>A (NM_001351110.2); short protein forms L2312F.
Identifiers: ClinVar variation 4616209 (VCV004616209.1).